The following is an entry in ClinVar:

ClinVar aggregate classification (germline): Pathogenic (1 of 4 stars; one submission).

Conditions:
Duchenne muscular dystrophy (DMD). Also called: MUSCULAR DYSTROPHY, PSEUDOHYPERTROPHIC PROGRESSIVE, DUCHENNE TYPE; Duchenne Muscular Dystrophy (DMD). Identifiers: Orphanet 98896, MedGen C0013264, MONDO:0010679, OMIM 310200.

Submission:

Labcorp Genetics (formerly Invitae), Labcorp
Classification: Pathogenic for Duchenne muscular dystrophy. Last evaluated: 2020-04-24. Review status: criteria provided, single submitter. Criteria: Invitae Variant Classification Sherloc (09022015). Collection method: clinical testing. Allele origin: germline.
Comment: This sequence change affects an acceptor splice site in intron 47 of the DMD gene. It is expected to disrupt RNA splicing and likely results in an absent or disrupted protein product. This variant is not present in population databases (ExAC no frequency). Disruption of this splice site has been observed in individual(s) with clinical features of dystrophinopathy (PMID: 23092449). Algorithms developed to predict the effect of sequence changes on RNA splicing suggest that this variant may disrupt the consensus splice site, but this prediction has not been confirmed by published transcriptional studies. Donor and acceptor splice site variants typically lead to a loss of protein function (PMID: 16199547), and loss-of-function variants in DMD are known to be pathogenic (PMID: 16770791, 25007885). For these reasons, this variant has been classified as Pathogenic.

Literature cited by the submitters: PubMed 23092449; PubMed 16199547; PubMed 16770791; PubMed 25007885.

NM_004006.3(DMD):c.6913-2A>C

Gene: DMD (dystrophin; minus strand). Cytogenetic location: Xp21.1.
Variant type: single nucleotide variant.
Coding change: c.6913-2A>C on transcript NM_004006.3 (MANE Select); the canonical splice acceptor site of the intron before coding-DNA position 6913, A replaced by C.
Molecular consequence: splice acceptor variant.
Genome position (GRCh38, 1-based): chrX:31,875,375, T>G on the plus strand (A>C on the coding strand, the complement: DMD is on the minus strand). VCF-style: chrX-31875375-T-G. GRCh37 (hg19) VCF-style: chrX-31893492-T-G.
Other names: c.6889-2A>C (NM_000109.4); c.2890-2A>C (NM_004011.4); c.2881-2A>C (NM_004012.4); c.-468-2A>C (NM_004023.3, NM_004020.4, NM_004022.3 and 2 more transcripts); c.6901-2A>C (NM_004009.3); c.6544-2A>C (NM_004010.3).
Identifiers: ClinVar variation 1072778 (VCV001072778.9), dbSNP rs1603514272, ClinGen allele CA412660281.